The following is an entry in ClinVar:

NM_001378964.1(CDON):c.1619G>C (p.Arg540Thr)

Gene: CDON (cell adhesion associated, oncogene regulated; minus strand). Cytogenetic location: 11q24.2.
Variant type: single nucleotide variant.
Coding change: c.1619G>C on transcript NM_001378964.1 (MANE Select); coding-DNA position 1619, G replaced by C.
Protein change: p.Arg540Thr; replaces arginine 540 with threonine.
Molecular consequence: missense variant.
Genome position (GRCh38, 1-based): chr11:126,005,991, C>G on the plus strand (G>C on the coding strand, the complement: CDON is on the minus strand). VCF-style: chr11-126005991-C-G. GRCh37 (hg19) VCF-style: chr11-125875886-C-G.
Other names: c.1619G>C, p.Arg540Thr (NM_001243597.3, NM_016952.6); short protein forms R540T.
Identifiers: ClinVar variation 2726470 (VCV002726470.3), dbSNP rs148304849, ClinGen allele CA6351981.

ClinVar aggregate classification (germline): Uncertain significance (1 of 4 stars; one submission).

Conditions:
Holoprosencephaly 11 (HPE11). Identifiers: Orphanet 2162, MedGen C3280215, MONDO:0013642, OMIM 614226.

Allele frequency attached by ClinVar (database versions not stated): ESP Exome Variant Server 0.00008.
gnomAD v4.1: 53 of 1,614,022 alleles (0.0033%); highest among the groups gnomAD compares: Non-Finnish European, 0.0036%; no homozygotes.

Submission:

Labcorp Genetics (formerly Invitae), Labcorp
Classification: Uncertain significance for Holoprosencephaly 11. Last evaluated: 2024-03-11. Review status: criteria provided, single submitter. Criteria: Invitae Variant Classification Sherloc (09022015). Collection method: clinical testing. Allele origin: germline.
Comment: This sequence change replaces arginine, which is basic and polar, with threonine, which is neutral and polar, at codon 540 of the CDON protein (p.Arg540Thr). This variant is present in population databases (rs148304849, gnomAD 0.02%). This variant has not been reported in the literature in individuals affected with CDON-related conditions. An algorithm developed to predict the effect of missense changes on protein structure and function (PolyPhen-2) suggests that this variant is likely to be tolerated. In summary, the available evidence is currently insufficient to determine the role of this variant in disease. Therefore, it has been classified as a Variant of Uncertain Significance.